The following is an entry in ClinVar:

ClinVar aggregate classification (germline): Uncertain significance (1 of 4 stars; one submission).

Allele frequency attached by ClinVar (database versions not stated): TOPMed below 0.00001.
gnomAD v4.1: 1 of 1,613,474 alleles (0.000062%); highest among the groups gnomAD compares: Admixed American, 0.0017%; no homozygotes.

Submission:

Labcorp Genetics (formerly Invitae), Labcorp
Classification: Uncertain significance. Last evaluated: 2022-12-09. Review status: criteria provided, single submitter. Criteria: Invitae Variant Classification Sherloc (09022015). Collection method: clinical testing. Allele origin: germline.
Comment: In summary, the available evidence is currently insufficient to determine the role of this variant in disease. Therefore, it has been classified as a Variant of Uncertain Significance. Advanced modeling of protein sequence and biophysical properties (such as structural, functional, and spatial information, amino acid conservation, physicochemical variation, residue mobility, and thermodynamic stability) has been performed at Invitae for this missense variant, however the output from this modeling did not meet the statistical confidence thresholds required to predict the impact of this variant on CSF2RB protein function. This variant has not been reported in the literature in individuals affected with CSF2RB-related conditions. This variant is present in population databases (rs756424237, gnomAD 0.003%). This sequence change replaces arginine, which is basic and polar, with serine, which is neutral and polar, at codon 303 of the CSF2RB protein (p.Arg303Ser).

NM_000395.3(CSF2RB):c.909G>T (p.Arg303Ser)

Gene: CSF2RB (colony stimulating factor 2 receptor subunit beta; plus strand). Cytogenetic location: 22q12.3.
Variant type: single nucleotide variant.
Coding change: c.909G>T on transcript NM_000395.3 (MANE Select); coding-DNA position 909, G replaced by T.
Protein change: p.Arg303Ser; replaces arginine 303 with serine.
Molecular consequence: missense variant.
Genome position (GRCh38, 1-based): chr22:36,930,727, G>T. VCF-style: chr22-36930727-G-T. GRCh37 (hg19) VCF-style: chr22-37326769-G-T.
Other names: c.927G>T, p.Arg309Ser (NM_001410827.1); short protein forms R309S, R303S.
Identifiers: ClinVar variation 3011055 (VCV003011055.3), dbSNP rs756424237, ClinGen allele CA10213643.
Genomic context (GRCh38, chr22:36,930,727, plus strand): 5'-CCTCAGGGAGGAAGAGTGCTCCCCAGTGCTGAGGGAGGGGCTCGGCAGCCTCCACACCAG[G>T]CACCACTGCCAGATTCCCGTGCCCGACCCCGCGACCCACGGCCAATACATCGTCTCTGTT-3'
Protein context (NP_000386.1, residues 293-313): LREGLGSLHT[Arg303Ser]HHCQIPVPDP